The following is an entry in ClinVar:

NM_001372574.1(ATXN2):c.2848C>T (p.Pro950Ser)

Gene: ATXN2 (ataxin 2; minus strand). Cytogenetic location: 12q24.12.
Variant type: single nucleotide variant.
Coding change: c.2848C>T on transcript NM_001372574.1 (MANE Select); coding-DNA position 2848, C replaced by T.
Protein change: p.Pro950Ser; replaces proline 950 with serine.
Molecular consequence: missense variant. On other transcripts: non-coding transcript variant (1), intron variant (1).
Genome position (GRCh38, 1-based): chr12:111,464,710, G>A on the plus strand (C>T on the coding strand, the complement: ATXN2 is on the minus strand). VCF-style: chr12-111464710-G-A. GRCh37 (hg19) VCF-style: chr12-111902514-G-A.
Other names: c.2527C>T, p.Pro843Ser (NM_001310121.1); c.2842C>T, p.Pro948Ser (NM_002973.4); c.2449+5398C>T (NM_001310123.1); c.3322C>T (NM_002973.3); short protein forms P843S, P948S, P950S.
Identifiers: ClinVar variation 2643319 (VCV002643319.25), dbSNP rs140242317, ClinGen allele CA6790287.

ClinVar aggregate classification (germline): Likely benign. Review status: criteria provided, single submitter (1 of 4 stars). 2 submissions from 2 submitters: Likely benign (1). 1 of the submissions does not count toward it. Last evaluated 2024-02-01.

Conditions:
ATXN2-related disorder. Also called: ATXN2-related condition.

Allele frequency attached by ClinVar (database versions not stated): 1000 Genomes Project 0.00040; 1000 Genomes Project 30x 0.00047; ExAC 0.00074; gnomAD 0.00093; ESP Exome Variant Server 0.00115; TOPMed 0.00116; gnomAD exomes 0.00149.
gnomAD v4.1: 2,298 of 1,610,932 alleles (0.14%); highest among the groups gnomAD compares: Non-Finnish European, 0.18%; 3 homozygotes.

Submissions (2):

CeGaT Center for Human Genetics Tuebingen
Classification: Likely benign. Last evaluated: 2024-02-01. Review status: criteria provided, single submitter. Criteria: CeGaT Center For Human Genetics Tuebingen Variant Classification Criteria Version 2. Collection method: clinical testing. Allele origin: germline. Affected: yes. Observed: 2 variant alleles.
Comment: ATXN2: BS1

PreventionGenetics, part of Exact Sciences
Classification: Likely benign for ATXN2-related condition. Last evaluated: 2022-02-23. Review status: no assertion criteria provided. Collection method: clinical testing. Allele origin: germline. Not counted in ClinVar's aggregate classification.
Comment: This variant is classified as likely benign based on ACMG/AMP sequence variant interpretation guidelines (Richards et al. 2015 PMID: 25741868, with internal and published modifications).